The following is an entry in ClinVar:

ClinVar aggregate classification (germline): Pathogenic/Likely pathogenic. Review status: criteria provided, multiple submitters, no conflicts (2 of 4 stars). 5 submissions from 5 submitters: Pathogenic (3); Likely pathogenic (2). Last evaluated 2025-08-09.

Conditions:
Hemoglobin H disease (HBH). Also called: ALPHA-THALASSEMIA, HEMOGLOBIN H TYPE; HEMOGLOBIN H DISEASE, DELETIONAL; Hemoglobin H (HbH) Disease. Identifiers: Orphanet 93616, MedGen C3161174, MONDO:0013512, OMIM 613978. Disease mechanism: loss of function.
Heinz body anemia. Also called: Heinz body hemolytic anemia. Identifiers: Orphanet 178330, MedGen C0700299, MONDO:0007705, OMIM 140700, HP:0005511.
Erythrocytosis, familial, 7. Also called: ERYTHROCYTOSIS, ALPHA-GLOBIN TYPE; POLYCYTHEMIA, ALPHA-GLOBIN TYPE; ERYTHROCYTOSIS 7. Identifiers: MedGen C4693823, MONDO:0054802, OMIM 617981.
Methemoglobinemia, alpha type. Identifiers: MedGen C4693798, MONDO:0020835, OMIM 617973.
alpha Thalassemia. Also called: Alpha thalassemia spectrum. Identifiers: Orphanet 846, MedGen C0002312, MONDO:0011399, OMIM 604131.

Submissions (5):

Natera, Inc.
Classification: Likely pathogenic for Alpha thalassemia. Last evaluated: 2025-08-09. Review status: criteria provided, single submitter. Criteria: Natera Variant Classification Schema (03/2026). Collection method: clinical testing. Allele origin: germline.
Comment: The c.328delC variant in HBA1 is a frameshift variant predicted to shift the reading frame beginning at codon 110 and leads to a stop codon 24 codons downstream. This variant is expected to result in nonsense mediated decay, truncation, or a dysfunctional protein product. This variant is rare in the general population with a frequency below the threshold expected for the associated phenotype(s). Given the available evidence, this variant is classified as Likely Pathogenic.

ARUP Laboratories, Molecular Genetics and Genomics, ARUP Laboratories
Classification: Pathogenic. Last evaluated: 2025-01-16. Review status: criteria provided, single submitter. Criteria: ARUP Molecular Germline Variant Investigation Process 2024. Collection method: clinical testing. Allele origin: germline.
Comment: The codon 108 (-C) (HBA1: c.328del; p. Leu110TrpfsTer24, also known as p.Leu109fs when numbered from the mature protein, rs281864535, HbVar ID: 2724) is reported in the literature in the heterozygous state in individuals with hematological findings consistent with alpha-thalassemia silent carrier status (Henderson 2016, Oron-Karni 2000), and in an individual affected with HbH disease who carried a different variant on the opposite chromosome (Gilad 2017). This variant is reported in HbVar (see link), and is only observed on four alleles in the Genome Aggregation Database, indicating it is not a common polymorphism. This variant results in a premature termination codon in the last exon of the HBA1 gene. While this may not lead to nonsense-mediated decay, it is expected to create a truncated protein that would include a sequence of 24 amino acid residues not usually present. Based on available information, this variant is considered to be pathogenic. References: Link to HbVar: Gilad O et al. Molecular diagnosis of a-thalassemia in a multiethnic population. Eur J Haematol. 2017 Jun;98(6):553-562. PMID: 28160324. Henderson SJ et al. Ten Years of Routine a- and b-Globin Gene Sequencing in UK Hemoglobinopathy Referrals Reveals 60 Novel Mutations. Hemoglobin. 2016;40(2):75-84. PMID: 26635043. Oron-Karni V et al. Diversity of alpha-globin mutations and clinical presentation of alpha-thalassemia in Israel. Am J Hematol. 2000 Nov;65(3):196-203. PMID: 11074535.

Laboratory for Molecular Medicine, Mass General Brigham Personalized Medicine
Classification: Pathogenic for alpha Thalassemia. Last evaluated: 2022-11-03. Review status: criteria provided, single submitter. Criteria: ACMG Guidelines, 2015. Collection method: clinical testing. Allele origin: germline.
Comment: The p.Leu110TrpfsX24 variant in HBA1--also known as Hb Sciacca and (α1 cod109 (−C))-- has been reported in the heterozygous state in individuals with hematological findings consistent with alpha-thalassemia silent and in the compound heterozygous state in at least 1 individuas with anemia and microcytosis (Henderson 2016 Oron-Karni 2000 PMID: 11074535, Gilad 2017 PMID: 28160324, Keikhaei 2018 PMID: 29627922, Cardiero 2021 PMID: 34680508, HbVar ). This variant has been reported in ClinVar (Variation ID: 1331033) and was absent from large population databases. This variant is predicted to cause a frameshift, which alters the protein’s amino acid sequence beginning at position 110 and leads to a premature termination codon 24 amino acids downstream. This termination codon occurs within the last exon and is, therefore, likely to escape nonsense mediated decay (NMD) and result in a truncated protein. In vitro functional studies support an impact on protein function (Cardiero 2021 PMID: 34680508). Loss of function of the HBA1 gene is an established disease mechanism in autosomal recessive alpha Thalassaemia. In summary, this variant meets criteria to be classified as pathogenic for autosomal recessive alpha thalassemia. ACMG/AMP Criteria applied: PVS1_Strong, PM2_supporting, PS3_Supporting, PM3.

3billion
Classification: Likely pathogenic for alpha Thalassemia. Last evaluated: 2022-05-22. Review status: criteria provided, single submitter. Criteria: ACMG Guidelines, 2015. Collection method: clinical testing. Allele origin: germline. Affected: yes. Observed: 1 heterozygote.
Comment: The variant is observed at an extremely low frequency in the gnomAD v2.1.1 dataset (total allele frequency: 0.002%). Frameshift: predicted to result in a loss or disruption of normal protein function through protein truncation. Multiple pathogenic variants are reported in the predicted truncated region. The variant has been reported to be associated with HBA1 related disorder (ClinVar ID: VCV001331033 / PMID: 11074535). Therefore, this variant is classified as likely pathogenic according to the recommendation of ACMG/AMP guideline.

Fulgent Genetics
Classification: Pathogenic for Heinz body anemia; alpha Thalassemia; Hemoglobin H disease; Methemoglobinemia, alpha type; Erythrocytosis, familial, 7. Last evaluated: 2022-05-17. Review status: criteria provided, single submitter. Criteria: ACMG Guidelines, 2015. Collection method: clinical testing. Allele origin: unknown.

Literature cited by the submitters: PubMed 11074535 (cited by 3billion).

NM_000558.5(HBA1):c.328del (p.Leu110fs)

Genes: HBA1 (hemoglobin subunit alpha 1; plus strand), LOC106804613 (hemoglobin subunit alpha 1 recombination region; plus strand). Cytogenetic location: 16p13.3.
Variant type: Deletion.
Coding change: c.328del on transcript NM_000558.5 (MANE Select); coding-DNA position 328, one base deleted (C; older notation c.328delC).
Protein change: p.Leu110fs; shifts the reading frame from leucine 110.
Molecular consequence: frameshift variant.
Genome position (GRCh38, 1-based): chr16:177,310, C deleted; the last of 3 consecutive C bases (chr16:177,308-177,310); deleting any one gives the same sequence. VCF-style (leftmost placement, unchanged base first): chr16-177307-AC-A. GRCh37 (hg19) VCF-style: chr16-227306-AC-A.
Other names: c.328delC (NM_000558.4); short protein forms L110fs.
Identifiers: ClinVar variation 1331033 (VCV001331033.17), dbSNP rs281864535, ClinGen allele CA7770276.